The following is an entry in ClinVar:

ClinVar aggregate classification (germline): Uncertain significance (1 of 4 stars; one submission).

Conditions:
Landau-Kleffner syndrome (FESD). Also called: EPILEPSY, FOCAL, WITH SPEECH DISORDER AND WITH OR WITHOUT MENTAL RETARDATION; APHASIA, ACQUIRED, WITH EPILEPSY. Identifiers: Orphanet 1945, Orphanet 725, Orphanet 98818, MedGen C0282512, MONDO:0009509, OMIM 245570.

Submission:

Labcorp Genetics (formerly Invitae), Labcorp
Classification: Uncertain significance for Landau-Kleffner syndrome. Last evaluated: 2024-02-07. Review status: criteria provided, single submitter. Criteria: Invitae Variant Classification Sherloc (09022015). Collection method: clinical testing. Allele origin: germline.
Comment: This sequence change replaces tryptophan, which is neutral and slightly polar, with leucine, which is neutral and non-polar, at codon 1014 of the GRIN2A protein (p.Trp1014Leu). This variant is not present in population databases (gnomAD no frequency). This variant has not been reported in the literature in individuals affected with GRIN2A-related conditions. Advanced modeling of protein sequence and biophysical properties (such as structural, functional, and spatial information, amino acid conservation, physicochemical variation, residue mobility, and thermodynamic stability) performed at Invitae indicates that this missense variant is not expected to disrupt GRIN2A protein function with a negative predictive value of 95%. In summary, the available evidence is currently insufficient to determine the role of this variant in disease. Therefore, it has been classified as a Variant of Uncertain Significance.

NM_001134407.3(GRIN2A):c.3041G>T (p.Trp1014Leu)

Gene: GRIN2A (glutamate ionotropic receptor NMDA type subunit 2A; minus strand). Cytogenetic location: 16p13.2.
Variant type: single nucleotide variant.
Coding change: c.3041G>T on transcript NM_001134407.3 (MANE Select); coding-DNA position 3041, G replaced by T.
Protein change: p.Trp1014Leu; replaces tryptophan 1014 with leucine.
Molecular consequence: missense variant.
Genome position (GRCh38, 1-based): chr16:9,764,503, C>A on the plus strand (G>T on the coding strand, the complement: GRIN2A is on the minus strand). VCF-style: chr16-9764503-C-A. GRCh37 (hg19) VCF-style: chr16-9858360-C-A.
Other names: c.3041G>T, p.Trp1014Leu (NM_000833.5, NM_001134408.2); short protein forms W1014L.
Identifiers: ClinVar variation 3637278 (VCV003637278.2).